The following is an entry in ClinVar:

ClinVar aggregate classification (germline): Uncertain significance. Review status: criteria provided, multiple submitters, no conflicts (2 of 4 stars). 2 submissions from 2 submitters: Uncertain significance (2). Last evaluated 2025-08-06.

Conditions:
Inborn genetic diseases. Identifiers: MedGen C0950123, MeSH D030342.
Familial encephalopathy with neuroserpin inclusion bodies. Also called: ENCEPHALOPATHY, FAMILIAL, WITH COLLINS BODIES. Identifiers: Orphanet 85110, MedGen C1858680, MONDO:0011412, OMIM 604218.

Allele frequency attached by ClinVar (database versions not stated): gnomAD exomes below 0.00001 and 0.00001; ExAC 0.00001; gnomAD 0.00001; TOPMed 0.00001; ESP Exome Variant Server 0.00008.
gnomAD v4.1: 6 of 1,613,480 alleles (0.00037%); highest among the groups gnomAD compares: Non-Finnish European, 0.00051%; no homozygotes.

Submissions (2):

Ambry Genetics
Classification: Uncertain significance for Inborn genetic diseases. Last evaluated: 2025-08-06. Review status: criteria provided, single submitter. Criteria: Ambry Variant Classification Scheme 2023. Collection method: clinical testing. Allele origin: germline.

Labcorp Genetics (formerly Invitae), Labcorp
Classification: Uncertain significance for Familial encephalopathy with neuroserpin inclusion bodies. Last evaluated: 2022-08-09. Review status: criteria provided, single submitter. Criteria: Invitae Variant Classification Sherloc (09022015). Collection method: clinical testing. Allele origin: germline.
Comment: In summary, the available evidence is currently insufficient to determine the role of this variant in disease. Therefore, it has been classified as a Variant of Uncertain Significance. Advanced modeling of protein sequence and biophysical properties (such as structural, functional, and spatial information, amino acid conservation, physicochemical variation, residue mobility, and thermodynamic stability) performed at Invitae indicates that this missense variant is not expected to disrupt SERPINI1 protein function. ClinVar contains an entry for this variant (Variation ID: 1021760). This variant has not been reported in the literature in individuals affected with SERPINI1-related conditions. This variant is present in population databases (rs151212615, gnomAD 0.002%). This sequence change replaces asparagine, which is neutral and polar, with histidine, which is basic and polar, at codon 281 of the SERPINI1 protein (p.Asn281His).

NM_001122752.2(SERPINI1):c.841A>C (p.Asn281His)

Gene: SERPINI1 (serpin family I member 1; plus strand). Cytogenetic location: 3q26.1.
Variant type: single nucleotide variant.
Coding change: c.841A>C on transcript NM_001122752.2 (MANE Select); coding-DNA position 841, A replaced by C.
Protein change: p.Asn281His; replaces asparagine 281 with histidine.
Molecular consequence: missense variant.
Genome position (GRCh38, 1-based): chr3:167,794,784, A>C. VCF-style: chr3-167794784-A-C. GRCh37 (hg19) VCF-style: chr3-167512572-A-C.
Other names: c.841A>C, p.Asn281His (NM_005025.5); c.841A>C (NM_005025.4); short protein forms N281H.
Identifiers: ClinVar variation 1021760 (VCV001021760.9), dbSNP rs151212615, ClinGen allele CA2694889.